The following is an entry in ClinVar:

ClinVar aggregate classification (germline): Uncertain significance (1 of 4 stars; one submission).

Submission:

Labcorp Genetics (formerly Invitae), Labcorp
Classification: Uncertain significance. Last evaluated: 2025-04-01. Review status: criteria provided, single submitter. Criteria: Invitae Variant Classification Sherloc (09022015). Collection method: clinical testing. Allele origin: germline.
Comment: This sequence change replaces proline, which is neutral and non-polar, with serine, which is neutral and polar, at codon 688 of the COL4A3 protein (p.Pro688Ser). This variant is not present in population databases (gnomAD no frequency). This variant has not been reported in the literature in individuals affected with COL4A3-related conditions. Invitae Evidence Modeling of protein sequence and biophysical properties (such as structural, functional, and spatial information, amino acid conservation, physicochemical variation, residue mobility, and thermodynamic stability) has been performed for this missense variant. However, the output from this modeling did not meet the statistical confidence thresholds required to predict the impact of this variant on COL4A3 protein function. In summary, the available evidence is currently insufficient to determine the role of this variant in disease. Therefore, it has been classified as a Variant of Uncertain Significance.

NM_000091.5(COL4A3):c.2062C>T (p.Pro688Ser)

Genes: COL4A3 (collagen type IV alpha 3 chain; plus strand), MFF-DT (MFF divergent transcript; minus strand). Cytogenetic location: 2q36.3.
Variant type: single nucleotide variant.
Coding change: c.2062C>T on transcript NM_000091.5 (MANE Select); coding-DNA position 2062, C replaced by T.
Protein change: p.Pro688Ser; replaces proline 688 with serine.
Molecular consequence: missense variant.
Genome position (GRCh38, 1-based): chr2:227,277,490, C>T. VCF-style: chr2-227277490-C-T. GRCh37 (hg19) VCF-style: chr2-228142206-C-T.
Other names: short protein forms P688S.
Identifiers: ClinVar variation 4691748 (VCV004691748.1).